The following is an entry in ClinVar:

ClinVar aggregate classification (germline): Likely benign (1 of 4 stars; one submission).

Submission:

CeGaT Center for Human Genetics Tuebingen
Classification: Likely benign. Last evaluated: 2025-09-01. Review status: criteria provided, single submitter. Criteria: CeGaT Center For Human Genetics Tuebingen Variant Classification Criteria Version 2. Collection method: clinical testing. Allele origin: germline. Affected: yes. Observed: 1 variant allele.
Comment: ARFGEF1: PM2:Supporting, BP4, BP7

NM_006421.5(ARFGEF1):c.441T>G (p.Val147=)

Gene: ARFGEF1 (ARF guanine nucleotide exchange factor 1; minus strand). Cytogenetic location: 8q13.2.
Variant type: single nucleotide variant.
Coding change: c.441T>G on transcript NM_006421.5 (MANE Select); coding-DNA position 441, T replaced by G.
Protein change: p.Val147=; no amino-acid change (valine 147 retained).
Molecular consequence: synonymous variant. On other transcripts: 5 prime UTR variant (4), non-coding transcript variant (1).
Genome position (GRCh38, 1-based): chr8:67,299,227, A>C on the plus strand (T>G on the coding strand, the complement: ARFGEF1 is on the minus strand). VCF-style: chr8-67299227-A-C. GRCh37 (hg19) VCF-style: chr8-68211462-A-C.
Other names: c.441T>G, p.Val147= (NM_001413184.1, NM_001413185.1, NM_001413186.1 and 7 more transcripts); c.-160T>G (NM_001413188.1, NM_001413193.1, NM_001413197.1); c.-675T>G (NM_001413196.1).
Identifiers: ClinVar variation 4085134 (VCV004085134.8).